The following is an entry in ClinVar:

ClinVar aggregate classification (germline): Uncertain significance. Review status: criteria provided, multiple submitters, no conflicts (2 of 4 stars). 2 submissions from 2 submitters: Uncertain significance (2). Last evaluated 2025-04-28.

Conditions:
PHGDH deficiency. Identifiers: Orphanet 79351, MedGen C1866174, MONDO:0011152, OMIM 601815.

Allele frequency attached by ClinVar (database versions not stated): gnomAD exomes below 0.00001; TOPMed below 0.00001; ExAC 0.00001.
gnomAD v4.1: 5 of 1,613,468 alleles (0.00031%); highest among the groups gnomAD compares: Admixed American, 0.0017%; no homozygotes.

Submissions (2):

Mayo Clinic Laboratories, Mayo Clinic
Classification: Uncertain significance. Last evaluated: 2025-04-28. Review status: criteria provided, single submitter. Criteria: ACMG Guidelines, 2015. Collection method: clinical testing. Allele origin: germline. Observed: 1 variant allele.
Comment: BP4, PM2_supporting

Labcorp Genetics (formerly Invitae), Labcorp
Classification: Uncertain significance for PHGDH deficiency. Last evaluated: 2022-08-08. Review status: criteria provided, single submitter. Criteria: Invitae Variant Classification Sherloc (09022015). Collection method: clinical testing. Allele origin: germline.
Comment: This sequence change replaces asparagine, which is neutral and polar, with serine, which is neutral and polar, at codon 100 of the PHGDH protein (p.Asn100Ser). This variant is not present in population databases (gnomAD no frequency). This variant has not been reported in the literature in individuals affected with PHGDH-related conditions. Algorithms developed to predict the effect of missense changes on protein structure and function output the following: SIFT: "Tolerated"; PolyPhen-2: "Benign"; Align-GVGD: "Class C0". The serine amino acid residue is found in multiple mammalian species, which suggests that this missense change does not adversely affect protein function. Algorithms developed to predict the effect of sequence changes on RNA splicing suggest that this variant may create or strengthen a splice site. In summary, the available evidence is currently insufficient to determine the role of this variant in disease. Therefore, it has been classified as a Variant of Uncertain Significance.

NM_006623.4(PHGDH):c.299A>G (p.Asn100Ser)

Gene: PHGDH (phosphoglycerate dehydrogenase; plus strand). Cytogenetic location: 1p12.
Variant type: single nucleotide variant.
Coding change: c.299A>G on transcript NM_006623.4 (MANE Select); coding-DNA position 299, A replaced by G.
Protein change: p.Asn100Ser; replaces asparagine 100 with serine.
Molecular consequence: missense variant.
Genome position (GRCh38, 1-based): chr1:119,723,384, A>G. VCF-style: chr1-119723384-A-G. GRCh37 (hg19) VCF-style: chr1-120266007-A-G.
Other names: p.Asn100Ser; short protein forms N100S.
Identifiers: ClinVar variation 2157290 (VCV002157290.2), dbSNP rs753809125, ClinGen allele CA1037018.